The following is an entry in ClinVar:

ClinVar aggregate classification (germline): Uncertain significance (1 of 4 stars; one submission).

Conditions:
Paroxysmal nonkinesigenic dyskinesia. Also called: Paroxysmal non-kinesigenic dyskinesia. Identifiers: Orphanet 98810, MedGen C1869117, MONDO:0700088.

gnomAD v4.1: 2 of 1,613,962 alleles (0.00012%); highest among the groups gnomAD compares: South Asian, 0.0011%; no homozygotes.

Submission:

Labcorp Genetics (formerly Invitae), Labcorp
Classification: Uncertain significance for Paroxysmal nonkinesigenic dyskinesia. Last evaluated: 2025-08-15. Review status: criteria provided, single submitter. Criteria: Invitae Variant Classification Sherloc (09022015). Collection method: clinical testing. Allele origin: germline.
Comment: This sequence change replaces cysteine, which is neutral and slightly polar, with tyrosine, which is neutral and polar, at codon 170 of the PNKD protein (p.Cys170Tyr). This variant is present in population databases (rs763955641, gnomAD 0.0009%). This variant has not been reported in the literature in individuals affected with PNKD-related conditions. ClinVar contains an entry for this variant (Variation ID: 3720975). Invitae Evidence Modeling of protein sequence and biophysical properties (such as structural, functional, and spatial information, amino acid conservation, physicochemical variation, residue mobility, and thermodynamic stability) indicates that this missense variant is not expected to disrupt PNKD protein function with a negative predictive value of 80%. In summary, the available evidence is currently insufficient to determine the role of this variant in disease. Therefore, it has been classified as a Variant of Uncertain Significance.

NM_015488.5(PNKD):c.509G>A (p.Cys170Tyr)

Genes: CATIP-AS2 (CATIP antisense RNA 2; minus strand), PNKD (PNKD metallo-beta-lactamase domain containing; plus strand). Cytogenetic location: 2q35.
Variant type: single nucleotide variant.
Coding change: c.509G>A on transcript NM_015488.5 (MANE Select); coding-DNA position 509, G replaced by A.
Protein change: p.Cys170Tyr; replaces cysteine 170 with tyrosine.
Molecular consequence: missense variant.
Genome position (GRCh38, 1-based): chr2:218,340,771, G>A. VCF-style: chr2-218340771-G-A. GRCh37 (hg19) VCF-style: chr2-219205494-G-A.
Other names: c.437G>A, p.Cys146Tyr (NM_022572.5); short protein forms C146Y, C170Y.
Identifiers: ClinVar variation 3720975 (VCV003720975.2).